The following is an entry in ClinVar:

ClinVar aggregate classification (germline): Uncertain significance (1 of 4 stars; one submission).

Conditions:
Congenital disorder of deglycosylation (CDDG). Identifiers: MedGen C3808991, MONDO:0031376.

Allele frequency attached by ClinVar (database versions not stated): gnomAD exomes below 0.00001; gnomAD 0.00001; 1000 Genomes Project 0.00020; 1000 Genomes Project 30x 0.00031.
gnomAD v4.1: 8 of 1,611,474 alleles (0.0005%); highest among the groups gnomAD compares: Admixed American, 0.0017%; no homozygotes.

Submission:

Labcorp Genetics (formerly Invitae), Labcorp
Classification: Uncertain significance for Congenital disorder of deglycosylation. Last evaluated: 2022-07-28. Review status: criteria provided, single submitter. Criteria: Invitae Variant Classification Sherloc (09022015). Collection method: clinical testing. Allele origin: germline.
Comment: This sequence change replaces lysine, which is basic and polar, with glutamic acid, which is acidic and polar, at codon 216 of the NGLY1 protein (p.Lys216Glu). This variant is present in population databases (rs148972130, gnomAD 0.0009%). This variant has not been reported in the literature in individuals affected with NGLY1-related conditions. ClinVar contains an entry for this variant (Variation ID: 474231). Algorithms developed to predict the effect of missense changes on protein structure and function (SIFT, PolyPhen-2, Align-GVGD) all suggest that this variant is likely to be tolerated. In summary, the available evidence is currently insufficient to determine the role of this variant in disease. Therefore, it has been classified as a Variant of Uncertain Significance.

NM_018297.4(NGLY1):c.646A>G (p.Lys216Glu)

Gene: NGLY1 (N-glycanase 1; minus strand). Cytogenetic location: 3p24.2.
Variant type: single nucleotide variant.
Coding change: c.646A>G on transcript NM_018297.4 (MANE Select); coding-DNA position 646, A replaced by G.
Protein change: p.Lys216Glu; replaces lysine 216 with glutamic acid.
Molecular consequence: missense variant.
Genome position (GRCh38, 1-based): chr3:25,751,110, T>C on the plus strand (A>G on the coding strand, the complement: NGLY1 is on the minus strand). VCF-style: chr3-25751110-T-C. GRCh37 (hg19) VCF-style: chr3-25792601-T-C.
Other names: c.646A>G, p.Lys216Glu (NM_001145293.2, NM_001145295.2); c.520A>G, p.Lys174Glu (NM_001145294.2); short protein forms K174E, K216E.
Identifiers: ClinVar variation 474231 (VCV000474231.5), dbSNP rs148972130, ClinGen allele CA2289426.